The following is an entry in ClinVar:

NM_144997.7(FLCN):c.158A>G (p.Gln53Arg)

Gene: FLCN (folliculin; minus strand). Cytogenetic location: 17p11.2.
Variant type: single nucleotide variant.
Coding change: c.158A>G on transcript NM_144997.7 (MANE Select); coding-DNA position 158, A replaced by G.
Protein change: p.Gln53Arg; replaces glutamine 53 with arginine.
Molecular consequence: missense variant.
Genome position (GRCh38, 1-based): chr17:17,227,980, T>C on the plus strand (A>G on the coding strand, the complement: FLCN is on the minus strand). VCF-style: chr17-17227980-T-C. GRCh37 (hg19) VCF-style: chr17-17131294-T-C.
Other names: c.158A>G, p.Gln53Arg (NM_001353229.2, NM_001353230.2, NM_001353231.2 and 1 more transcripts); c.158A>G (NM_144997.5); short protein forms Q53R.
Identifiers: ClinVar variation 1486274 (VCV001486274.9), dbSNP rs771056209, ClinGen allele CA288320665.

ClinVar aggregate classification (germline): Uncertain significance. Review status: criteria provided, multiple submitters, no conflicts (2 of 4 stars). 2 submissions from 2 submitters: Uncertain significance (2). Last evaluated 2026-07-06.

Conditions:
Hereditary cancer-predisposing syndrome. Also called: Hereditary Cancer Syndrome; Tumor predisposition; Neoplastic Syndromes, Hereditary; Hereditary neoplastic syndrome. Identifiers: Orphanet 140162, MedGen C0027672, MeSH D009386, MONDO:0015356.
Birt-Hogg-Dube syndrome. Also called: Birt Hogg Dubé syndrome. Identifiers: Orphanet 122, MedGen C0346010, MONDO:0800444.

Allele frequency attached by ClinVar (database versions not stated): gnomAD exomes below 0.00001.
gnomAD v4.1: 1 of 1,614,180 alleles (0.000062%); highest among the groups gnomAD compares: Non-Finnish European, 0.000085%; no homozygotes.

Submissions (2):

Ambry Genetics
Classification: Uncertain significance for Hereditary cancer-predisposing syndrome. Last evaluated: 2026-07-06. Review status: criteria provided, single submitter. Criteria: Ambry Variant Classification Scheme 2023. Collection method: clinical testing. Allele origin: germline.
Comment: The p.Q53R variant (also known as c.158A>G), located in coding exon 1 of the FLCN gene, results from an A to G substitution at nucleotide position 158. The glutamine at codon 53 is replaced by arginine, an amino acid with highly similar properties. This amino acid position is conserved. In addition, this alteration is predicted to be deleterious by in silico analysis. Based on the available evidence, the clinical significance of this variant remains unclear.

Labcorp Genetics (formerly Invitae), Labcorp
Classification: Uncertain significance for Birt-Hogg-Dube syndrome. Last evaluated: 2021-04-30. Review status: criteria provided, single submitter. Criteria: Invitae Variant Classification Sherloc (09022015). Collection method: clinical testing. Allele origin: germline.
Comment: In summary, the available evidence is currently insufficient to determine the role of this variant in disease. Therefore, it has been classified as a Variant of Uncertain Significance. Algorithms developed to predict the effect of missense changes on protein structure and function (SIFT, PolyPhen-2, Align-GVGD) all suggest that this variant is likely to be tolerated, but these predictions have not been confirmed by published functional studies and their clinical significance is uncertain. This variant has not been reported in the literature in individuals with FLCN-related conditions. This sequence change replaces glutamine with arginine at codon 53 of the FLCN protein (p.Gln53Arg). The glutamine residue is moderately conserved and there is a small physicochemical difference between glutamine and arginine. This variant is not present in population databases (ExAC no frequency).